The following is an entry in ClinVar:

ClinVar aggregate classification (germline): Uncertain significance (1 of 4 stars; one submission).

Submission:

Labcorp Genetics (formerly Invitae), Labcorp
Classification: Uncertain significance. Last evaluated: 2025-03-01. Review status: criteria provided, single submitter. Criteria: Invitae Variant Classification Sherloc (09022015). Collection method: clinical testing. Allele origin: germline.
Comment: This sequence change replaces proline, which is neutral and non-polar, with leucine, which is neutral and non-polar, at codon 549 of the COMP protein (p.Pro549Leu). This variant is not present in population databases (gnomAD no frequency). This variant has not been reported in the literature in individuals affected with COMP-related conditions. Invitae Evidence Modeling of protein sequence and biophysical properties (such as structural, functional, and spatial information, amino acid conservation, physicochemical variation, residue mobility, and thermodynamic stability) indicates that this missense variant is expected to disrupt COMP protein function with a positive predictive value of 80%. In summary, the available evidence is currently insufficient to determine the role of this variant in disease. Therefore, it has been classified as a Variant of Uncertain Significance.

NM_000095.3(COMP):c.1646C>T (p.Pro549Leu)

Gene: COMP (cartilage oligomeric matrix protein; minus strand). Cytogenetic location: 19p13.11.
Variant type: single nucleotide variant.
Coding change: c.1646C>T on transcript NM_000095.3 (MANE Select); coding-DNA position 1646, C replaced by T.
Protein change: p.Pro549Leu; replaces proline 549 with leucine.
Molecular consequence: missense variant.
Genome position (GRCh38, 1-based): chr19:18,785,695, G>A on the plus strand (C>T on the coding strand, the complement: COMP is on the minus strand). VCF-style: chr19-18785695-G-A. GRCh37 (hg19) VCF-style: chr19-18896505-G-A.
Other names: short protein forms P549L.
Identifiers: ClinVar variation 4809262 (VCV004809262.1).